The following is an entry in ClinVar:

ClinVar aggregate classification (germline): Likely pathogenic (1 of 4 stars; one submission).

Conditions:
Propionic acidemia (PROP). Also called: GLYCINEMIA, KETOTIC; HYPERGLYCINEMIA WITH KETOACIDOSIS AND LEUKOPENIA; KETOTIC HYPERGLYCINEMIA. Identifiers: Orphanet 35, MedGen C0268579, MONDO:0011628, OMIM 606054, HP:0003571.

Submission:

Myriad Genetics, Inc.
Classification: Likely pathogenic for Propionic acidemia. Last evaluated: 2021-12-16. Review status: criteria provided, single submitter. Criteria: Myriad Women's Health Autosomal Recessive and X-Linked Classification Criteria (2021). Collection method: clinical testing. Allele origin: unknown.
Comment: NM_000282.3(PCCA):c.459delC(R154Dfs*30) is expected to be pathogenic in the context of PCCA-related propionic acidemia. This variant is predicted to lead to an abnormal or absent protein product due to the creation of a premature termination codon in PCCA, a gene where loss-of-function variants are known to be pathogenic. Please note: this variant was assessed in the context of healthy population screening.

NM_000282.4(PCCA):c.459del (p.Arg154fs)

Gene: PCCA (propionyl-CoA carboxylase subunit alpha; plus strand). Cytogenetic location: 13q32.3.
Variant type: Deletion.
Coding change: c.459del on transcript NM_000282.4 (MANE Select); coding-DNA position 459, one base deleted (C; older notation c.459delC).
Protein change: p.Arg154fs; shifts the reading frame from arginine 154.
Molecular consequence: frameshift variant. On other transcripts: 5 prime UTR variant (3), non-coding transcript variant (5).
Genome position (GRCh38, 1-based): chr13:100,157,331, C deleted; the last of 2 consecutive C bases (chr13:100,157,330-100,157,331); deleting either gives the same sequence. VCF-style (leftmost placement, unchanged base first): chr13-100157329-GC-G. GRCh37 (hg19) VCF-style: chr13-100809583-GC-G.
Other names: c.381del, p.Arg128fs (NM_001127692.3, NM_001352607.2, NM_001352608.2); c.459del, p.Arg154fs (NM_001178004.2, NM_001352605.2, NM_001352606.2 and 1 more transcripts); c.-408del (NM_001352610.2, NM_001352611.2, NM_001352612.2); short protein forms R128fs, R154fs.
Identifiers: ClinVar variation 1726371 (VCV001726371.2), dbSNP rs2542895509, ClinGen allele CA2580086939.